The following is an entry in ClinVar:

ClinVar aggregate classification (germline): Uncertain significance (1 of 4 stars; one submission).

Conditions:
Idiopathic generalized epilepsy. Also called: EIG; Generalised epilepsy. Identifiers: MedGen C0270850, MONDO:0005579, OMIM 600669.

Submission:

Labcorp Genetics (formerly Invitae), Labcorp
Classification: Uncertain significance for Idiopathic generalized epilepsy. Last evaluated: 2021-10-05. Review status: criteria provided, single submitter. Criteria: Invitae Variant Classification Sherloc (09022015). Collection method: clinical testing. Allele origin: germline.
Comment: In summary, the available evidence is currently insufficient to determine the role of this variant in disease. Therefore, it has been classified as a Variant of Uncertain Significance. This variant has not been reported in the literature in individuals affected with RBFOX1-related conditions. This variant is a gross deletion of the genomic region encompassing exon(s) 3-13 of the RBFOX1 gene, which includes the termination codon. This deletion extends beyond the assayed region for this gene and therefore may encompass additional genes. While this deletion is not anticipated to lead to nonsense mediated decay, it is expected to alter mRNA translation or result in a truncated protein product.

NC_000016.9:g.(?_7629759)_(7760747_?)del

Gene: RBFOX1 (RNA binding fox-1 homolog 1; plus strand). Cytogenetic location: 16p13.3.
Variant type: Deletion.
Identifiers: ClinVar variation 1450739 (VCV001450739.5).